The following is an entry in ClinVar:

ClinVar aggregate classification (germline): Uncertain significance (1 of 4 stars; one submission).

Conditions:
Peroxisome biogenesis disorder 2B (PBD2B). Identifiers: Orphanet 44, MedGen C3550234, MONDO:0008736, OMIM 202370.

Submission:

Labcorp Genetics (formerly Invitae), Labcorp
Classification: Uncertain significance for Peroxisome biogenesis disorder 2B. Last evaluated: 2025-10-01. Review status: criteria provided, single submitter. Criteria: Invitae Variant Classification Sherloc (09022015). Collection method: clinical testing. Allele origin: germline.
Comment: This sequence change replaces leucine, which is neutral and non-polar, with phenylalanine, which is neutral and non-polar, at codon 270 of the PEX5 protein (p.Leu270Phe). This variant is not present in population databases (gnomAD no frequency). This variant has not been reported in the literature in individuals affected with PEX5-related conditions. ClinVar contains an entry for this variant (Variation ID: 1397491). Invitae Evidence Modeling of protein sequence and biophysical properties (such as structural, functional, and spatial information, amino acid conservation, physicochemical variation, residue mobility, and thermodynamic stability) indicates that this missense variant is not expected to disrupt PEX5 protein function with a negative predictive value of 80%. In summary, the available evidence is currently insufficient to determine the role of this variant in disease. Therefore, it has been classified as a Variant of Uncertain Significance.

NM_001351132.2(PEX5):c.808C>T (p.Leu270Phe)

Gene: PEX5 (peroxisomal biogenesis factor 5; plus strand). Cytogenetic location: 12p13.31.
Variant type: single nucleotide variant.
Coding change: c.808C>T on transcript NM_001351132.2 (MANE Select); coding-DNA position 808, C replaced by T.
Protein change: p.Leu270Phe; replaces leucine 270 with phenylalanine.
Molecular consequence: missense variant.
Genome position (GRCh38, 1-based): chr12:7,202,666, C>T. VCF-style: chr12-7202666-C-T. GRCh37 (hg19) VCF-style: chr12-7355262-C-T.
Other names: c.808C>T, p.Leu270Phe (NM_000319.5, NM_001131025.2, NM_001131026.2 and 6 more transcripts); c.853C>T, p.Leu285Phe (NM_001131023.2); c.697C>T, p.Leu233Phe (NM_001131024.2, NM_001351124.3, NM_001351126.2 and 10 more transcripts); c.742C>T, p.Leu248Phe (NM_001351135.3, NM_001351138.2); short protein forms L248F, L233F, L270F, L285F.
Identifiers: ClinVar variation 1397491 (VCV001397491.8), dbSNP rs2136158729, ClinGen allele CA383724385.
Genomic context (GRCh38, chr12:7,202,666, plus strand): 5'-TCGCAGGGTACATCAGATGCCTGGGTTGACCAGTTCACAAGACCAGTAAACACATCTGCC[C>T]TTGATATGGAGTTTGAACGAGCCAAGTCAGCTATAGAGGTGAGAGCAGATAGTGCAGGAG-3'
Protein context (NP_001338061.1, residues 260-280): QFTRPVNTSA[Leu270Phe]DMEFERAKSA